The following is an entry in ClinVar:

ClinVar aggregate classification (germline): Likely benign. Review status: criteria provided, multiple submitters, no conflicts (2 of 4 stars). 3 submissions from 3 submitters: Likely benign (3). Last evaluated 2025-11-16.

Conditions:
RLBP1-related disorder. Also called: RLBP1-related disorders; RLBP1-related condition. Identifiers: MedGen CN239413.

Allele frequency attached by ClinVar (database versions not stated): ExAC 0.00004; gnomAD 0.00004; TOPMed 0.00004; gnomAD exomes 0.00006 and 0.00012; ESP Exome Variant Server 0.00031.
gnomAD v4.1: 178 of 1,614,068 alleles (0.011%); highest among the groups gnomAD compares: Non-Finnish European, 0.014%; no homozygotes.

Submissions (3):

Labcorp Genetics (formerly Invitae), Labcorp
Classification: Likely benign. Last evaluated: 2025-11-16. Review status: criteria provided, single submitter. Criteria: Invitae Variant Classification Sherloc (09022015). Collection method: clinical testing. Allele origin: germline.

PreventionGenetics, part of Exact Sciences
Classification: Likely benign for RLBP1-related condition. Last evaluated: 2025-07-07. Review status: criteria provided, single submitter. Criteria: ACMG Guidelines, 2015. Collection method: clinical testing. Allele origin: germline.
Comment: This variant is classified as likely benign based on ACMG/AMP sequence variant interpretation guidelines (Richards et al. 2015 PMID: 25741868, with internal and published modifications).

Blueprint Genetics
Classification: Likely benign. Last evaluated: 2024-09-21. Review status: criteria provided, single submitter. Criteria: ACMG Guidelines, 2015. Collection method: clinical testing. Allele origin: germline.

NM_000326.5(RLBP1):c.426T>A (p.Ala142=)

Gene: RLBP1 (retinaldehyde binding protein 1; minus strand). Cytogenetic location: 15q26.1.
Variant type: single nucleotide variant.
Coding change: c.426T>A on transcript NM_000326.5 (MANE Select); coding-DNA position 426, T replaced by A.
Protein change: p.Ala142=; no amino-acid change (alanine 142 retained).
Molecular consequence: synonymous variant.
Genome position (GRCh38, 1-based): chr15:89,215,159, A>T on the plus strand (T>A on the coding strand, the complement: RLBP1 is on the minus strand). VCF-style: chr15-89215159-A-T. GRCh37 (hg19) VCF-style: chr15-89758390-A-T.
Other names: c.426T>A (NM_000326.4).
Identifiers: ClinVar variation 1481518 (VCV001481518.10), dbSNP rs141855939, ClinGen allele CA7722286.
Genomic context (GRCh38, chr15:89,215,159, plus strand): 5'-GTTGAAGAGCATGACCACTCGGCCATACTTGTCCCGACTAGAGAGGACACCAGGGTAGCC[A>T]GCTTCAATGGTGCAGCGGACAGCCTCTGGGGACAGGCTGTCAAAGAGCTCAGGGTACTGC-3'
Protein context (NP_000317.1, residues 132-152): SPEAVRCTIE[Ala142=]GYPGVLSSRD